The following is an entry in ClinVar:

NM_001042492.3(NF1):c.6665C>A (p.Thr2222Lys)

Gene: NF1 (neurofibromin 1; plus strand). Cytogenetic location: 17q11.2.
Variant type: single nucleotide variant.
Coding change: c.6665C>A on transcript NM_001042492.3 (MANE Select); coding-DNA position 6665, C replaced by A.
Protein change: p.Thr2222Lys; replaces threonine 2222 with lysine.
Molecular consequence: missense variant.
Genome position (GRCh38, 1-based): chr17:31,337,841, C>A. VCF-style: chr17-31337841-C-A. GRCh37 (hg19) VCF-style: chr17-29664859-C-A.
Other names: c.6602C>A, p.Thr2201Lys (NM_000267.4); short protein forms T2201K, T2222K.
Identifiers: ClinVar variation 3897403 (VCV003897403.1).

ClinVar aggregate classification (germline): Uncertain significance (1 of 4 stars; one submission).

Submission:

GeneDx
Classification: Uncertain significance. Last evaluated: 2024-10-30. Review status: criteria provided, single submitter. Criteria: GeneDx Variant Classification Process June 2021. Collection method: clinical testing. Allele origin: germline. Affected: yes.
Comment: Not observed at significant frequency in large population cohorts (gnomAD); In silico analysis indicates that this missense variant does not alter protein structure/function; Has not been previously published as pathogenic or benign to our knowledge